The following is an entry in ClinVar:

ClinVar aggregate classification (germline): Pathogenic/Likely pathogenic. Review status: criteria provided, multiple submitters, no conflicts (2 of 4 stars). 2 submissions from 2 submitters: Pathogenic (1); Likely pathogenic (1). Last evaluated 2024-04-10.

Conditions:
Fanconi anemia (FA). Also called: Fanconi's anemia. Identifiers: Orphanet 84, MedGen C0015625, MeSH D005199, MONDO:0019391.

Allele frequency attached by ClinVar (database versions not stated): TOPMed below 0.00001.

Submissions (2):

Natera, Inc.
Classification: Likely pathogenic for Fanconi anemia. Last evaluated: 2024-04-10. Review status: criteria provided, single submitter. Criteria: Natera Variant Classification Schema (03/2026). Collection method: clinical testing. Allele origin: germline.
Comment: The c.994C>T variant in FANCC is a nonsense variant predicted to introduce a stop codon at amino acid 332. This variant is expected to result in nonsense mediated decay, truncation, or a dysfunctional protein product. This variant is rare in the general population with a frequency below the threshold expected for the associated phenotype(s). Given the available evidence, this variant is classified as Likely Pathogenic.

Labcorp Genetics (formerly Invitae), Labcorp
Classification: Pathogenic for Fanconi anemia. Last evaluated: 2023-12-02. Review status: criteria provided, single submitter. Criteria: Invitae Variant Classification Sherloc (09022015). Collection method: clinical testing. Allele origin: germline.
Comment: This sequence change creates a premature translational stop signal (p.Gln332*) in the FANCC gene. It is expected to result in an absent or disrupted protein product. Loss-of-function variants in FANCC are known to be pathogenic (PMID: 17924555). This variant is not present in population databases (gnomAD no frequency). This variant has not been reported in the literature in individuals affected with FANCC-related conditions. Algorithms developed to predict the effect of sequence changes on RNA splicing suggest that this variant may disrupt the consensus splice site. For these reasons, this variant has been classified as Pathogenic.

Literature cited by the submitters: PubMed 17924555 (cited by Labcorp Genetics (formerly Invitae), Labcorp).

NM_000136.3(FANCC):c.994C>T (p.Gln332Ter)

Genes: AOPEP (aminopeptidase O (putative); plus strand), FANCC (FA complementation group C; minus strand). Cytogenetic location: 9q22.32.
Variant type: single nucleotide variant.
Coding change: c.994C>T on transcript NM_000136.3 (MANE Select); coding-DNA position 994, C replaced by T.
Protein change: p.Gln332Ter; replaces glutamine 332 with a stop codon.
Molecular consequence: nonsense.
Genome position (GRCh38, 1-based): chr9:95,125,088, G>A on the plus strand (C>T on the coding strand, the complement: FANCC is on the minus strand). VCF-style: chr9-95125088-G-A. GRCh37 (hg19) VCF-style: chr9-97887370-G-A.
Other names: c.994C>T, p.Gln332Ter (NM_001243743.2, NM_001243744.2); short protein forms Q332*.
Identifiers: ClinVar variation 2740439 (VCV002740439.4), dbSNP rs1425473449, ClinGen allele CA374108731.